The following is an entry in ClinVar:

ClinVar aggregate classification (germline): Uncertain significance. Review status: criteria provided, multiple submitters, no conflicts (2 of 4 stars). 3 submissions from 3 submitters: Uncertain significance (3). Last evaluated 2024-04-08.

Conditions:
Breast-ovarian cancer, familial, susceptibility to, 4. Identifiers: Orphanet 145, MedGen C3280345, MONDO:0013669, OMIM 614291.
Hereditary cancer-predisposing syndrome. Also called: Neoplastic Syndromes, Hereditary; Tumor predisposition; Hereditary neoplastic syndrome; Hereditary Cancer Syndrome. Identifiers: Orphanet 140162, MedGen C0027672, MeSH D009386, MONDO:0015356.

Submissions (3):

Ambry Genetics
Classification: Uncertain significance for Hereditary cancer-predisposing syndrome. Last evaluated: 2024-04-08. Review status: criteria provided, single submitter. Criteria: Ambry Variant Classification Scheme 2023. Collection method: clinical testing. Allele origin: germline.
Comment: The p.L89P variant (also known as c.266T>C), located in coding exon 4 of the RAD51D gene, results from a T to C substitution at nucleotide position 266. The leucine at codon 89 is replaced by proline, an amino acid with similar properties. This amino acid position is highly conserved in available vertebrate species. In addition, this alteration is predicted to be deleterious by in silico analysis. Since supporting evidence is limited at this time, the clinical significance of this alteration remains unclear.

Labcorp Genetics (formerly Invitae), Labcorp
Classification: Uncertain significance for Breast-ovarian cancer, familial, susceptibility to, 4. Last evaluated: 2021-08-31. Review status: criteria provided, single submitter. Criteria: Invitae Variant Classification Sherloc (09022015). Collection method: clinical testing. Allele origin: germline.
Comment: This sequence change replaces leucine with proline at codon 89 of the RAD51D protein (p.Leu89Pro). The leucine residue is highly conserved and there is a moderate physicochemical difference between leucine and proline. This variant is not present in population databases (ExAC no frequency). This variant has not been reported in the literature in individuals affected with RAD51D-related conditions. Algorithms developed to predict the effect of missense changes on protein structure and function (SIFT, PolyPhen-2, Align-GVGD) all suggest that this variant is likely to be disruptive. In summary, the available evidence is currently insufficient to determine the role of this variant in disease. Therefore, it has been classified as a Variant of Uncertain Significance.

Color Diagnostics, LLC DBA Color Health
Classification: Uncertain significance for Hereditary cancer-predisposing syndrome. Last evaluated: 2019-04-03. Review status: criteria provided, single submitter. Criteria: ACMG Guidelines, 2015. Collection method: clinical testing. Allele origin: germline.

NM_002878.4(RAD51D):c.266T>C (p.Leu89Pro)

Genes: RAD51D (RAD51 paralog D; minus strand), RAD51L3-RFFL (RAD51L3-RFFL readthrough; minus strand). Cytogenetic location: 17q12.
Variant type: single nucleotide variant.
Coding change: c.266T>C on transcript NM_002878.4 (MANE Select); coding-DNA position 266, T replaced by C.
Protein change: p.Leu89Pro; replaces leucine 89 with proline.
Molecular consequence: missense variant. On other transcripts: non-coding transcript variant (2), intron variant (1).
Genome position (GRCh38, 1-based): chr17:35,107,445, A>G on the plus strand (T>C on the coding strand, the complement: RAD51D is on the minus strand). VCF-style: chr17-35107445-A-G. GRCh37 (hg19) VCF-style: chr17-33434464-A-G.
Other names: c.326T>C, p.Leu109Pro (NM_001142571.2); c.145-964T>C (NM_133629.3); short protein forms L89P, L109P.
Identifiers: ClinVar variation 567175 (VCV000567175.16), dbSNP rs1567728784, ClinGen allele CA399090031.
Genomic context (GRCh38, chr17:35,107,445, plus strand): 5'-GGGCCTCCTACAATTTCAGTCACTTCTCCAGTATAGAGACCAGCATCAAGCAGTTTATCA[A>G]GACTGATGGCAGAAGAGAAGAAAATCAACACAAGAGGTTAGGAGGAAGACAGGGGAAAAG-3'
Protein context (NP_002869.3, residues 79-99): TAILSTGIGS[Leu89Pro]DKLLDAGLYT